The following is an entry in ClinVar:

ClinVar aggregate classification (germline): Uncertain significance (1 of 4 stars; one submission).

Conditions:
Hereditary cancer-predisposing syndrome. Also called: Neoplastic Syndromes, Hereditary; Tumor predisposition; Hereditary neoplastic syndrome; Hereditary Cancer Syndrome. Identifiers: Orphanet 140162, MedGen C0027672, MeSH D009386, MONDO:0015356.

Submission:

Ambry Genetics
Classification: Uncertain significance for Hereditary cancer-predisposing syndrome. Last evaluated: 2024-04-08. Review status: criteria provided, single submitter. Criteria: Ambry Variant Classification Scheme 2023. Collection method: clinical testing. Allele origin: germline.
Comment: The p.D135E variant (also known as c.405C>A), located in coding exon 4 of the TSC2 gene, results from a C to A substitution at nucleotide position 405. The aspartic acid at codon 135 is replaced by glutamic acid, an amino acid with highly similar properties. This amino acid position is conserved. In addition, the in silico prediction for this alteration is inconclusive. Based on the available evidence, the clinical significance of this variant remains unclear.

NM_000548.5(TSC2):c.405C>A (p.Asp135Glu)

Gene: TSC2 (TSC complex subunit 2; plus strand). Cytogenetic location: 16p13.3.
Variant type: single nucleotide variant.
Coding change: c.405C>A on transcript NM_000548.5 (MANE Select); coding-DNA position 405, C replaced by A.
Protein change: p.Asp135Glu; replaces aspartic acid 135 with glutamic acid.
Molecular consequence: missense variant. On other transcripts: 5 prime UTR variant (14), non-coding transcript variant (5), intron variant (6).
Genome position (GRCh38, 1-based): chr16:2,054,364, C>A. VCF-style: chr16-2054364-C-A. GRCh37 (hg19) VCF-style: chr16-2104365-C-A.
Other names: c.405C>A, p.Asp135Glu (NM_001077183.3, NM_001114382.3, NM_001406673.1 and 8 more transcripts); c.294C>A, p.Asp98Glu (NM_001318827.2, NM_001406678.1, NM_001406670.1); c.258C>A, p.Asp86Glu (NM_001318829.2, NM_001406675.1, NM_001406676.1 and 1 more transcripts); c.438C>A, p.Asp146Glu (NM_001318832.2); c.348C>A, p.Asp116Glu (NM_001406677.1); c.-412C>A (NM_001406680.1, NM_001406683.1, NM_001406687.1); c.-41C>A (NM_001406681.1); c.-1027C>A (NM_001406689.1, NM_001406690.1, NM_001406691.1 and 2 more transcripts); and 6 more; short protein forms D165E, D135E, D116E, D86E, D146E, D98E.
Identifiers: ClinVar variation 3329497 (VCV003329497.1).